The following is an entry in ClinVar:

ClinVar aggregate classification (germline): Uncertain significance (1 of 4 stars; one submission).

Submission:

GeneDx
Classification: Uncertain significance. Last evaluated: 2025-04-02. Review status: criteria provided, single submitter. Criteria: GeneDx Variant Classification Process June 2021. Collection method: clinical testing. Allele origin: germline. Affected: yes.
Comment: Not observed at significant frequency in large population cohorts (gnomAD); In silico analysis indicates that this missense variant does not alter protein structure/function; Has not been previously published as pathogenic or benign to our knowledge

NM_001080517.3(SETD5):c.3134G>T (p.Gly1045Val)

Gene: SETD5 (SET domain containing 5; plus strand). Cytogenetic location: 3p25.3.
Variant type: single nucleotide variant.
Coding change: c.3134G>T on transcript NM_001080517.3 (MANE Select); coding-DNA position 3134, G replaced by T.
Protein change: p.Gly1045Val; replaces glycine 1045 with valine.
Molecular consequence: missense variant.
Genome position (GRCh38, 1-based): chr3:9,470,868, G>T. VCF-style: chr3-9470868-G-T. GRCh37 (hg19) VCF-style: chr3-9512552-G-T.
Other names: c.2840G>T, p.Gly947Val (NM_001292043.2, NM_001349451.2); c.3230G>T, p.Gly1077Val (NM_001437633.1); c.3248G>T, p.Gly1083Val (NM_001437635.1); c.3191G>T, p.Gly1064Val (NM_001437643.1); c.3173G>T, p.Gly1058Val (NM_001437701.1); short protein forms G1045V, G1058V, G1064V, G1077V, G1083V, G947V.
Identifiers: ClinVar variation 4278729 (VCV004278729.1).